The following is an entry in ClinVar:

ClinVar aggregate classification (germline): Pathogenic. Review status: criteria provided, single submitter (1 of 4 stars). 2 submissions from 2 submitters: Pathogenic (1). 1 of the submissions does not count toward it. Last evaluated 2019-07-01.

Conditions:
DICER1-related tumor predisposition. Also called: DICER1-related pleuropulmonary blastoma cancer predisposition syndrome; DICER1 syndrome. Identifiers: Orphanet 284343, MedGen C3839822, MONDO:0100216.
Euthyroid goiter (MNG1). Also called: Goiter, multinodular 1, with or without Sertoli-Leydig cell tumors; MULTINODULAR GOITER, ADOLESCENT; SIMPLE GOITER; GOITER, NONTOXIC, WITH INTRATHYROIDAL CALCIFICATION. Identifiers: Orphanet 276399, MedGen C0302859, MONDO:0007681, OMIM 138800, HP:0009798.

Submissions (2):

Foulkes Cancer Genetics LDI, Lady Davis Institute for Medical Research
Classification: Pathogenic for Pleuropulmonary blastoma. Last evaluated: 2019-07-01. Review status: criteria provided, single submitter. Criteria: ACMG Guidelines, 2015. Collection method: curation. Allele origin: germline. Affected: yes and no. Observed: 9 variant alleles.
Comment: ACMG criteria met: PVS1, PM2, PP1

OMIM
Classification: Pathogenic for GOITER, MULTINODULAR 1, WITHOUT SERTOLI-LEYDIG CELL TUMORS. Last evaluated: 2011-01-05. Review status: no assertion criteria provided. Collection method: literature only. Allele origin: germline. Not counted in ClinVar's aggregate classification.

Literature cited by the submitters: PubMed 21205968 (cited by Foulkes Cancer Genetics LDI, Lady Davis Institute for Medical Research and OMIM); PubMed 27459524 (cited by Foulkes Cancer Genetics LDI, Lady Davis Institute for Medical Research); PubMed 9295070 (cited by OMIM).

NM_177438.3(DICER1):c.2805-1G>T

Gene: DICER1 (dicer 1, ribonuclease III; minus strand). Cytogenetic location: 14q32.13.
Variant type: single nucleotide variant.
Coding change: c.2805-1G>T on transcript NM_177438.3 (MANE Select); the canonical splice acceptor site of the intron before coding-DNA position 2805, G replaced by T.
Molecular consequence: splice acceptor variant.
Genome position (GRCh38, 1-based): chr14:95,106,224, C>A on the plus strand (G>T on the coding strand, the complement: DICER1 is on the minus strand). VCF-style: chr14-95106224-C-A. GRCh37 (hg19) VCF-style: chr14-95572561-C-A.
Other names: IVS17AS, G-T, -1; c.2805-1G>T (NM_001291628.2, NM_030621.4, NM_001395677.1 and 12 more transcripts); c.2400-1G>T (NM_001395690.1, NM_001395687.1, NM_001395689.1 and 2 more transcripts); c.2523-1G>T (NM_001395686.1); c.2238-1G>T (NM_001395691.1); c.1122-1G>T (NM_001395697.1).
Identifiers: ClinVar variation 30564 (VCV000030564.4), dbSNP rs1595374375, ClinGen allele CA390879338.